The following is an entry in ClinVar:

NM_007098.4(CLTCL1):c.3168G>A (p.Ala1056=)

Gene: CLTCL1 (clathrin heavy chain like 1; minus strand). Cytogenetic location: 22q11.21.
Variant type: single nucleotide variant.
Coding change: c.3168G>A on transcript NM_007098.4 (MANE Select); coding-DNA position 3168, G replaced by A.
Protein change: p.Ala1056=; no amino-acid change (alanine 1056 retained).
Molecular consequence: synonymous variant.
Genome position (GRCh38, 1-based): chr22:19,210,407, C>T on the plus strand (G>A on the coding strand, the complement: CLTCL1 is on the minus strand). VCF-style: chr22-19210407-C-T. GRCh37 (hg19) VCF-style: chr22-19197917-C-T.
Other names: c.3168G>A, p.Ala1056= (NM_001835.4).
Identifiers: ClinVar variation 3050839 (VCV003050839.2), dbSNP rs189528417, ClinGen allele CA10098172.

ClinVar aggregate classification (germline): Likely benign (0 of 4 stars; one submission).

Conditions:
CLTCL1-related disorder. Also called: CLTCL1-related condition.

Allele frequency attached by ClinVar (database versions not stated): ExAC 0.00007; TOPMed 0.00007; ESP Exome Variant Server 0.00008; gnomAD 0.00008; 1000 Genomes Project 30x 0.00016; 1000 Genomes Project 0.00020; gnomAD exomes 0.00020.
gnomAD v4.1: 295 of 1,614,004 alleles (0.018%); highest among the groups gnomAD compares: Middle Eastern, 0.18%; no homozygotes.

Submission:

PreventionGenetics, part of Exact Sciences
Classification: Likely benign for CLTCL1-related condition. Last evaluated: 2019-07-11. Review status: no assertion criteria provided. Collection method: clinical testing. Allele origin: germline.
Comment: This variant is classified as likely benign based on ACMG/AMP sequence variant interpretation guidelines (Richards et al. 2015 PMID: 25741868, with internal and published modifications).